The following is an entry in ClinVar:

ClinVar aggregate classification (germline): Likely benign. Review status: criteria provided, multiple submitters, no conflicts (2 of 4 stars). 3 submissions from 3 submitters: Likely benign (2). 1 of the submissions does not count toward it. Last evaluated 2026-01-24.

Conditions:
Joubert syndrome. Also called: JOUBERT-BOLTSHAUSER SYNDROME; Familial aplasia of the vermis. Identifiers: Orphanet 475, MedGen C5979921, MONDO:0018772.
Meckel-Gruber syndrome. Also called: Dysencephalia splachnocystica; GRUBER SYNDROME; DYSENCEPHALIA SPLANCHNOCYSTICA. Identifiers: Orphanet 564, MedGen C0265215, MONDO:0018921.
MKS1-related disorder. Also called: MKS1-related disorders; MKS1-related condition. Identifiers: MedGen CN239382.

Allele frequency attached by ClinVar (database versions not stated): ExAC 0.00001; gnomAD exomes 0.00001 and 0.00004; TOPMed 0.00002; ESP Exome Variant Server 0.00008.
gnomAD v4.1: 71 of 1,613,944 alleles (0.0044%); highest among the groups gnomAD compares: Non-Finnish European, 0.0052%; no homozygotes.

Submissions (3):

Labcorp Genetics (formerly Invitae), Labcorp
Classification: Likely benign for Joubert syndrome; Meckel-Gruber syndrome. Last evaluated: 2026-01-24. Review status: criteria provided, single submitter. Criteria: Invitae Variant Classification Sherloc (09022015). Collection method: clinical testing. Allele origin: germline.

Blueprint Genetics
Classification: Likely benign. Last evaluated: 2024-03-05. Review status: criteria provided, single submitter. Criteria: ACMG Guidelines, 2015. Collection method: clinical testing. Allele origin: germline.

PreventionGenetics, part of Exact Sciences
Classification: Likely benign for MKS1-related condition. Last evaluated: 2021-03-19. Review status: no assertion criteria provided. Collection method: clinical testing. Allele origin: germline. Not counted in ClinVar's aggregate classification.
Comment: This variant is classified as likely benign based on ACMG/AMP sequence variant interpretation guidelines (Richards et al. 2015 PMID: 25741868, with internal and published modifications).

NM_017777.4(MKS1):c.114T>C (p.Phe38=)

Gene: MKS1 (MKS transition zone complex subunit 1; minus strand). Cytogenetic location: 17q22.
Variant type: single nucleotide variant.
Coding change: c.114T>C on transcript NM_017777.4 (MANE Select); coding-DNA position 114, T replaced by C.
Protein change: p.Phe38=; no amino-acid change (phenylalanine 38 retained).
Molecular consequence: synonymous variant. On other transcripts: 5 prime UTR variant (1).
Genome position (GRCh38, 1-based): chr17:58,218,696, A>G on the plus strand (T>C on the coding strand, the complement: MKS1 is on the minus strand). VCF-style: chr17-58218696-A-G. GRCh37 (hg19) VCF-style: chr17-56296057-A-G.
Other names: c.114T>C (NM_017777.3); c.-398T>C (NM_001321268.2); c.114T>C, p.Phe38= (NM_001321269.2, NM_001330397.2).
Identifiers: ClinVar variation 1153563 (VCV001153563.12), dbSNP rs375861391, ClinGen allele CA8669640.